The following is an entry in ClinVar:

ClinVar aggregate classification (germline): Uncertain significance (1 of 4 stars; one submission).

Conditions:
Mitochondrial complex II deficiency, nuclear type 1. Also called: SUCCINATE CoQ REDUCTASE DEFICIENCY. Identifiers: Orphanet 3208, MedGen C5700310, MONDO:0100294, OMIM 252011.
Pheochromocytoma/paraganglioma syndrome 5. Also called: Paragangliomas 5; SDHA-Related Hereditary Paraganglioma-Pheochromocytoma Syndrome. Identifiers: Orphanet 29072, MedGen C3279992, MONDO:0013602, OMIM 614165.

Submission:

Labcorp Genetics (formerly Invitae), Labcorp
Classification: Uncertain significance for Pheochromocytoma/paraganglioma syndrome 5; Mitochondrial complex II deficiency, nuclear type 1. Last evaluated: 2017-07-19. Review status: criteria provided, single submitter. Criteria: Invitae Variant Classification Sherloc (09022015). Collection method: clinical testing. Allele origin: germline.
Comment: In summary, the available evidence is currently insufficient to determine the role of this variant in disease. Therefore, it has been classified as a Variant of Uncertain Significance. Algorithms developed to predict the effect of missense changes on protein structure and function do not agree on the potential impact of this missense change (SIFT: "Tolerated"; PolyPhen-2: "Benign"; Align-GVGD: "Class C0"). This variant has not been reported in the literature in individuals with SDHA-related disease. This variant is not present in population databases (ExAC no frequency). This sequence change replaces valine with leucine at codon 364 of the SDHA protein (p.Val364Leu). The valine residue is highly conserved and there is a small physicochemical difference between valine and leucine.

NM_004168.4(SDHA):c.1090G>C (p.Val364Leu)

Gene: SDHA (succinate dehydrogenase complex flavoprotein subunit A; plus strand). Cytogenetic location: 5p15.33.
Variant type: single nucleotide variant.
Coding change: c.1090G>C on transcript NM_004168.4 (MANE Select); coding-DNA position 1090, G replaced by C.
Protein change: p.Val364Leu; replaces valine 364 with leucine.
Molecular consequence: missense variant.
Genome position (GRCh38, 1-based): chr5:235,169, G>C. VCF-style: chr5-235169-G-C. GRCh37 (hg19) VCF-style: chr5-235284-G-C.
Other names: c.946G>C, p.Val316Leu (NM_001294332.2); c.1090G>C, p.Val364Leu (NM_001330758.2); short protein forms V364L, V316L.
Identifiers: ClinVar variation 472300 (VCV000472300.9), dbSNP rs372738835, ClinGen allele CA359013435.